The following is an entry in ClinVar:

ClinVar aggregate classification (germline): Uncertain significance. Review status: criteria provided, multiple submitters, no conflicts (2 of 4 stars). 2 submissions from 2 submitters: Uncertain significance (2). Last evaluated 2025-06-25.

Conditions:
Inborn genetic diseases. Identifiers: MedGen C0950123, MeSH D030342.
Fanconi anemia (FA). Also called: Fanconi's anemia. Identifiers: Orphanet 84, MedGen C0015625, MeSH D005199, MONDO:0019391.

Submissions (2):

Ambry Genetics
Classification: Uncertain significance for Inborn genetic diseases. Last evaluated: 2025-06-25. Review status: criteria provided, single submitter. Criteria: Ambry Variant Classification Scheme 2023. Collection method: clinical testing. Allele origin: germline.
Comment: The p.S1414T variant (also known as c.4241G>C), located in coding exon 42 of the FANCA gene, results from a G to C substitution at nucleotide position 4241. The serine at codon 1414 is replaced by threonine, an amino acid with similar properties. This amino acid position is conserved. In addition, this alteration is predicted to be tolerated by in silico analysis. Based on the available evidence, the clinical significance of this variant remains unclear.

Labcorp Genetics (formerly Invitae), Labcorp
Classification: Uncertain significance for Fanconi anemia. Last evaluated: 2021-10-08. Review status: criteria provided, single submitter. Criteria: Invitae Variant Classification Sherloc (09022015). Collection method: clinical testing. Allele origin: germline.
Comment: This sequence change replaces serine with threonine at codon 1414 of the FANCA protein (p.Ser1414Thr). The serine residue is moderately conserved and there is a small physicochemical difference between serine and threonine. This variant is not present in population databases (ExAC no frequency). This variant has not been reported in the literature in individuals affected with FANCA-related conditions. Advanced modeling of protein sequence and biophysical properties (such as structural, functional, and spatial information, amino acid conservation, physicochemical variation, residue mobility, and thermodynamic stability) performed at Invitae indicates that this missense variant is not expected to disrupt FANCA protein function. In summary, the available evidence is currently insufficient to determine the role of this variant in disease. Therefore, it has been classified as a Variant of Uncertain Significance.

NM_000135.4(FANCA):c.4241G>C (p.Ser1414Thr)

Genes: FANCA (FA complementation group A; minus strand), ZNF276 (zinc finger protein 276; plus strand). Cytogenetic location: 16q24.3.
Variant type: single nucleotide variant.
Coding change: c.4241G>C on transcript NM_000135.4 (MANE Select); coding-DNA position 4241, G replaced by C.
Protein change: p.Ser1414Thr; replaces serine 1414 with threonine.
Molecular consequence: missense variant. On other transcripts: 3 prime UTR variant (2), non-coding transcript variant (4).
Genome position (GRCh38, 1-based): chr16:89,738,901, C>G on the plus strand (G>C on the coding strand, the complement: FANCA is on the minus strand). VCF-style: chr16-89738901-C-G. GRCh37 (hg19) VCF-style: chr16-89805309-C-G.
Other names: c.4245G>C, p.Glu1415Asp (NM_001286167.3); c.*655C>G (NM_001113525.2, NM_152287.4); short protein forms E1415D, S1414T.
Identifiers: ClinVar variation 1447329 (VCV001447329.7), dbSNP rs772122405, ClinGen allele CA397483278.